The following is an entry in ClinVar:

ClinVar aggregate classification (germline): Likely pathogenic (0 of 4 stars; one submission).

Conditions:
UNC80-related disorder. Also called: UNC80-related condition.

Submission:

PreventionGenetics, part of Exact Sciences
Classification: Likely pathogenic for UNC80-related condition. Last evaluated: 2024-05-06. Review status: no assertion criteria provided. Collection method: clinical testing. Allele origin: germline.
Comment: The UNC80 c.6852+1G>T variant is predicted to disrupt the GT donor site and interfere with normal splicing. To our knowledge, this variant has not been reported in the literature or in a large population database, indicating this variant is rare. Variants that disrupt the consensus splice donor site in UNC80 are expected to be pathogenic. This variant is interpreted as likely pathogenic.

NM_001371986.1(UNC80):c.7050+1G>T

Gene: UNC80 (unc-80 homolog, NALCN channel complex subunit; plus strand). Cytogenetic location: 2q34.
Variant type: single nucleotide variant.
Coding change: c.7050+1G>T on transcript NM_001371986.1 (MANE Select); the canonical splice donor site of the intron after coding-DNA position 7050, G replaced by T.
Molecular consequence: splice donor variant.
Genome position (GRCh38, 1-based): chr2:209,943,515, G>T. VCF-style: chr2-209943515-G-T. GRCh37 (hg19) VCF-style: chr2-210808239-G-T.
Other names: c.6852+1G>T (NM_032504.2); c.6837+1G>T (NM_182587.4).
Identifiers: ClinVar variation 3345045 (VCV003345045.1).